The following is an entry in ClinVar:

ClinVar aggregate classification (germline): Pathogenic (1 of 4 stars; one submission).

Conditions:
Ehlers-Danlos syndrome, classic type, 1 (EDSCL1). Also called: EHLERS-DANLOS SYNDROME, GRAVIS TYPE; EHLERS-DANLOS SYNDROME, SEVERE CLASSIC TYPE; Ehlers-Danlos syndrome, type 1; Ehlers-Danlos Syndrome, Classic Type, COL5A1-Related; EDS I. Identifiers: MedGen C0268335, MONDO:0019567, OMIM 130000.

Submission:

Labcorp Genetics (formerly Invitae), Labcorp
Classification: Pathogenic for Ehlers-Danlos syndrome, classic type, 1. Last evaluated: 2023-05-30. Review status: criteria provided, single submitter. Criteria: Invitae Variant Classification Sherloc (09022015). Collection method: clinical testing. Allele origin: germline.
Comment: For these reasons, this variant has been classified as Pathogenic. This variant disrupts a region of the COL5A1 protein in which other variant(s) (p.Leu25Arg) have been determined to be pathogenic (PMID: 18972565; Invitae). This suggests that this is a clinically significant region of the protein, and that variants that disrupt it are likely to be disease-causing. This variant has not been reported in the literature in individuals affected with COL5A1-related conditions. This variant is not present in population databases (gnomAD no frequency). This sequence change affects the initiator methionine of the COL5A1 mRNA. The next in-frame methionine is located at codon 198.

Literature cited by the submitters: PubMed 18972565.

NM_000093.5(COL5A1):c.3G>T (p.Met1Ile)

Gene: COL5A1 (collagen type V alpha 1 chain; plus strand). Cytogenetic location: 9q34.3.
Variant type: single nucleotide variant.
Coding change: c.3G>T on transcript NM_000093.5 (MANE Select); coding-DNA position 3, G replaced by T.
Protein change: p.Met1Ile; changes the start codon (methionine 1).
Molecular consequence: missense variant, initiator codon variant.
Genome position (GRCh38, 1-based): chr9:134,642,190, G>T. VCF-style: chr9-134642190-G-T. GRCh37 (hg19) VCF-style: chr9-137534036-G-T.
Other names: c.3G>T, p.Met1Ile (NM_001278074.1); short protein forms M1I.
Identifiers: ClinVar variation 2750255 (VCV002750255.3), dbSNP rs2491093552, ClinGen allele CA375443759.